The following is an entry in ClinVar:

NM_001377265.1(MAPT):c.1678G>A (p.Ala560Thr)

Gene: MAPT (microtubule associated protein tau). Cytogenetic location: 17q21.31.
Variant type: single nucleotide variant.
Coding change: c.1678G>A on transcript NM_001377265.1 (MANE Select); coding-DNA position 1678, G replaced by A.
Protein change: p.Ala560Thr; replaces alanine 560 with threonine.
Molecular consequence: missense variant. On other transcripts: non-coding transcript variant (1).
Genome position (GRCh38, 1-based): chr17:45,991,532, G>A. VCF-style: chr17-45991532-G-A. GRCh37 (hg19) VCF-style: chr17-44068898-G-A.
Other names: c.1453G>A, p.Ala485Thr (NM_001123066.4, NM_016835.5); c.415G>A, p.Ala139Thr (NM_001123067.4, NM_001203251.2, NM_001377267.1); c.502G>A, p.Ala168Thr (NM_001203252.2, NM_005910.6); c.1480G>A, p.Ala494Thr (NM_001377266.1); c.328G>A, p.Ala110Thr (NM_001377268.1, NM_016834.5, NM_016841.5); short protein forms A139T, A485T, A494T, A110T, A560T, A168T.
Identifiers: ClinVar variation 2048536 (VCV002048536.4), dbSNP rs773178106, ClinGen allele CA8617974.

ClinVar aggregate classification (germline): Uncertain significance (1 of 4 stars; one submission).

Conditions:
Frontotemporal dementia (FTD1). Also called: WILHELMSEN-LYNCH DISEASE; Dementia, frontotemporal, with or without parkinsonism; FRONTOTEMPORAL DEMENTIA WITH PARKINSONISM; FRONTOTEMPORAL LOBE DEMENTIA; MULTIPLE SYSTEM TAUOPATHY WITH PRESENILE DEMENTIA; Frontotemporal Dementia with Parkinsonism-17 (FTDP-17). Identifiers: Orphanet 282, MedGen C0338451, MONDO:0017276, OMIM 600274, HP:0002145.

Allele frequency attached by ClinVar (database versions not stated): gnomAD exomes below 0.00001; ExAC 0.00001.
gnomAD v4.1: 2 of 1,614,186 alleles (0.00012%); highest among the groups gnomAD compares: South Asian, 0.0011%; no homozygotes.

Submission:

Labcorp Genetics (formerly Invitae), Labcorp
Classification: Uncertain significance for Frontotemporal dementia. Last evaluated: 2022-08-24. Review status: criteria provided, single submitter. Criteria: Invitae Variant Classification Sherloc (09022015). Collection method: clinical testing. Allele origin: germline.
Comment: Algorithms developed to predict the effect of missense changes on protein structure and function are either unavailable or do not agree on the potential impact of this missense change (SIFT: "Tolerated"; PolyPhen-2: "Probably Damaging"; Align-GVGD: "Class C0"). This variant has not been reported in the literature in individuals affected with MAPT-related conditions. This variant is present in population databases (rs773178106, gnomAD 0.003%). This sequence change replaces alanine, which is neutral and non-polar, with threonine, which is neutral and polar, at codon 168 of the MAPT protein (p.Ala168Thr). In summary, the available evidence is currently insufficient to determine the role of this variant in disease. Therefore, it has been classified as a Variant of Uncertain Significance.